The following is an entry in ClinVar:

NM_058195.4(CDKN2A):c.194-3675G>T

Gene: CDKN2A (cyclin dependent kinase inhibitor 2A; minus strand). Cytogenetic location: 9p21.3.
Variant type: single nucleotide variant.
Coding change: c.194-3675G>T on transcript NM_058195.4 (MANE Plus Clinical); 3675 bases into the intron before coding-DNA position 194, G replaced by T.
Molecular consequence: intron variant.
Genome position (GRCh38, 1-based): chr9:21,974,883, C>A on the plus strand (G>T on the coding strand, the complement: CDKN2A is on the minus strand). VCF-style: chr9-21974883-C-A. GRCh37 (hg19) VCF-style: chr9-21974882-C-A.
Other names: c.-56G>T (NM_000077.6); c.-3-3675G>T (NM_001363763.2).
Identifiers: ClinVar variation 825912 (VCV000825912.7), dbSNP rs1319347237, ClinGen allele CA915947488.
Genomic context (GRCh38, chr9:21,974,883, plus strand): 5'-TCCATGCTGCTCCCCGCCGCCCGCTGCCTGCTCTCCCCCTCTCCGCAGCCGCCGAGCGCA[C>A]GCGGTCCGCCCCACCCTCTGGTGACCAGCCAGCCCCTCCTCTTTCTTCCTCCGGTGCTGG-3'

ClinVar aggregate classification (germline): Conflicting classifications of pathogenicity. Review status: criteria provided, conflicting classifications (1 of 4 stars). 2 submissions from 2 submitters: Likely pathogenic (1); Uncertain significance (1). Last evaluated 2024-12-11.

Conditions:
Hereditary cancer-predisposing syndrome. Also called: Tumor predisposition; Neoplastic Syndromes, Hereditary; Hereditary Cancer Syndrome; Hereditary neoplastic syndrome. Identifiers: Orphanet 140162, MedGen C0027672, MeSH D009386, MONDO:0015356.
Melanoma-pancreatic cancer syndrome. Identifiers: Orphanet 404560, MedGen C1838547, MONDO:0011713, OMIM 606719. Disease mechanism: loss of function.

Submissions (2):

Ambry Genetics
Classification: Uncertain significance for Hereditary cancer-predisposing syndrome. Last evaluated: 2024-12-11. Review status: criteria provided, single submitter. Criteria: Ambry Variant Classification Scheme 2023. Collection method: clinical testing. Allele origin: germline.
Comment: The c.-56G>T variant is located in the 5' untranslated region (5&rsquo; UTR) of the CDKN2A gene. This variant results from a G to T substitution 56 bases upstream from the first translated codon. This variant has been identified in individual(s) with a personal and/or family history of melanoma (Bisio A et al. Hum Mol Genet. 2010 Apr 15;19(8):1479-91; Ambry internal data). Functional studies have shown that luciferase fusion mRNAs harboring this alteration are subjected to a post-transcriptional mechanism potentially regulating protein expression levels and that this regulation may, in-part, be related to defective ribosomal loading; however whether this leads to a subsequent decrease in endogenous protein expression was not determined for this variant (Bisio A et al. Hum Mol Genet. 2010 Apr 15;19(8):1479-91; Andreotti V et al. Pigment Cell Melanoma Res. 2016 Mar;29(2):210-21). This nucleotide position is not well conserved in available vertebrate species. Based on the available evidence, the clinical significance of this variant remains unclear.

Department of Pathology and Laboratory Medicine, Sinai Health System
Classification: Likely pathogenic for melanoma-pancreatic cancer syndrome. Review status: criteria provided, single submitter. Criteria: ACMG Guidelines, 2015. Collection method: clinical testing. Allele origin: germline.